The following is an entry in ClinVar:

NM_014846.4(WASHC5):c.3335+5A>C

Genes: WASHC5 (WASH complex subunit 5; minus strand), LOC126860498 (P300/CBP strongly-dependent group 1 enhancer GRCh37_chr8:126043836-126045035; plus strand). Cytogenetic location: 8q24.13.
Variant type: single nucleotide variant.
Coding change: c.3335+5A>C on transcript NM_014846.4 (MANE Select); 5 bases into the intron after coding-DNA position 3335, A replaced by C.
Molecular consequence: intron variant.
Genome position (GRCh38, 1-based): chr8:125,032,236, T>G on the plus strand (A>C on the coding strand, the complement: WASHC5 is on the minus strand). VCF-style: chr8-125032236-T-G. GRCh37 (hg19) VCF-style: chr8-126044478-T-G.
Other names: c.2891+5A>C (NM_001330609.2).
Identifiers: ClinVar variation 1434841 (VCV001434841.6), dbSNP rs1815562338, ClinGen allele CA1817254826.

ClinVar aggregate classification (germline): Uncertain significance (1 of 4 stars; one submission).

Conditions:
Hereditary spastic paraplegia 8 (SPG8). Also called: SPASTIC PARAPLEGIA 8, AUTOSOMAL DOMINANT. Identifiers: Orphanet 100989, MedGen C1863704, MONDO:0011339, OMIM 603563.
Ritscher-Schinzel syndrome. Also called: CRANIOCEREBELLOCARDIAC DYSPLASIA. Identifiers: Orphanet 7, MedGen C0796137, MONDO:0019078.

Allele frequency attached by ClinVar (database versions not stated): TOPMed 0.00001.

Submission:

Labcorp Genetics (formerly Invitae), Labcorp
Classification: Uncertain significance for Ritscher-Schinzel syndrome; Hereditary spastic paraplegia 8. Last evaluated: 2025-06-12. Review status: criteria provided, single submitter. Criteria: Invitae Variant Classification Sherloc (09022015). Collection method: clinical testing. Allele origin: germline.
Comment: This sequence change falls in intron 27 of the WASHC5 gene. It does not directly change the encoded amino acid sequence of the WASHC5 protein. It affects a nucleotide within the consensus splice site. This variant is not present in population databases (gnomAD no frequency). This variant has not been reported in the literature in individuals affected with WASHC5-related conditions. ClinVar contains an entry for this variant (Variation ID: 1434841). Variants that disrupt the consensus splice site are a relatively common cause of aberrant splicing (PMID: 17576681, 9536098). Algorithms developed to predict the effect of sequence changes on RNA splicing suggest that this variant is not likely to affect RNA splicing. In summary, the available evidence is currently insufficient to determine the role of this variant in disease. Therefore, it has been classified as a Variant of Uncertain Significance.

Literature cited by the submitters: PubMed 17576681; PubMed 9536098.